The following is an entry in ClinVar:

NM_001005273.3(CHD3):c.4641C>G (p.Thr1547=)

Gene: CHD3 (chromodomain helicase DNA binding protein 3; plus strand). Cytogenetic location: 17p13.1.
Variant type: single nucleotide variant.
Coding change: c.4641C>G on transcript NM_001005273.3 (MANE Select); coding-DNA position 4641, C replaced by G.
Protein change: p.Thr1547=; no amino-acid change (threonine 1547 retained).
Molecular consequence: synonymous variant.
Genome position (GRCh38, 1-based): chr17:7,907,006, C>G. VCF-style: chr17-7907006-C-G. GRCh37 (hg19) VCF-style: chr17-7810324-C-G.
Other names: c.4818C>G, p.Thr1606= (NM_001005271.3); c.4641C>G, p.Thr1547= (NM_005852.4).
Identifiers: ClinVar variation 3041379 (VCV003041379.19), dbSNP rs150535094, ClinGen allele CA8363415.

ClinVar aggregate classification (germline): Likely benign. Review status: criteria provided, single submitter (1 of 4 stars). 2 submissions from 2 submitters: Likely benign (1). 1 of the submissions does not count toward it. Last evaluated 2026-07-01.

Conditions:
CHD3-related disorder. Also called: CHD3-related condition.

Allele frequency attached by ClinVar (database versions not stated): ExAC 0.00013; ESP Exome Variant Server 0.00015; TOPMed 0.00017; 1000 Genomes Project 0.00020; gnomAD 0.00020; 1000 Genomes Project 30x 0.00031.
gnomAD v4.1: 281 of 1,614,188 alleles (0.017%); highest among the groups gnomAD compares: Non-Finnish European, 0.022%; no homozygotes.

Submissions (2):

CeGaT Center for Human Genetics Tuebingen
Classification: Likely benign. Last evaluated: 2026-07-01. Review status: criteria provided, single submitter. Criteria: CeGaT Center For Human Genetics Tuebingen Variant Classification Criteria Version 2. Collection method: clinical testing. Allele origin: germline. Affected: yes. Observed: 2 variant alleles.
Comment: CHD3: BP4, BP7

PreventionGenetics, part of Exact Sciences
Classification: Likely benign for CHD3-related condition. Last evaluated: 2022-05-02. Review status: no assertion criteria provided. Collection method: clinical testing. Allele origin: germline. Not counted in ClinVar's aggregate classification.
Comment: This variant is classified as likely benign based on ACMG/AMP sequence variant interpretation guidelines (Richards et al. 2015 PMID: 25741868, with internal and published modifications).